The following is an entry in ClinVar:

ClinVar aggregate classification (germline): Pathogenic (1 of 4 stars; one submission).

Submission:

Labcorp Genetics (formerly Invitae), Labcorp
Classification: Pathogenic. Last evaluated: 2023-07-25. Review status: criteria provided, single submitter. Criteria: Invitae Variant Classification Sherloc (09022015). Collection method: clinical testing. Allele origin: germline.
Comment: For these reasons, this variant has been classified as Pathogenic. This variant has not been reported in the literature in individuals affected with ADGRV1-related conditions. This variant is present in population databases (no rsID available, gnomAD 0.006%). This sequence change creates a premature translational stop signal (p.Tyr1496*) in the ADGRV1 gene. It is expected to result in an absent or disrupted protein product. Loss-of-function variants in ADGRV1 are known to be pathogenic (PMID: 19357117, 22135276, 22147658, 26226137, 30718709, 31047384, 32467589).

Literature cited by the submitters: PubMed 19357117; PubMed 22135276; PubMed 22147658; PubMed 26226137; PubMed 30718709; PubMed 31047384; PubMed 32467589.

NM_032119.4(ADGRV1):c.4488T>G (p.Tyr1496Ter)

Gene: ADGRV1 (adhesion G protein-coupled receptor V1; plus strand). Cytogenetic location: 5q14.3.
Variant type: single nucleotide variant.
Coding change: c.4488T>G on transcript NM_032119.4 (MANE Select); coding-DNA position 4488, T replaced by G.
Protein change: p.Tyr1496Ter; replaces tyrosine 1496 with a stop codon.
Molecular consequence: nonsense. On other transcripts: non-coding transcript variant (1).
Genome position (GRCh38, 1-based): chr5:90,658,014, T>G. VCF-style: chr5-90658014-T-G. GRCh37 (hg19) VCF-style: chr5-89953831-T-G.
Other names: short protein forms Y1496*.
Identifiers: ClinVar variation 2734617 (VCV002734617.3), dbSNP rs772002335, ClinGen allele CA360403776.